The following is an entry in ClinVar:

NM_001148.6(ANK2):c.3515G>A (p.Ser1172Asn)

Gene: ANK2 (ankyrin 2; plus strand). Cytogenetic location: 4q26.
Variant type: single nucleotide variant.
Coding change: c.3515G>A on transcript NM_001148.6 (MANE Select); coding-DNA position 3515, G replaced by A.
Protein change: p.Ser1172Asn; replaces serine 1172 with asparagine.
Molecular consequence: missense variant. On other transcripts: 5 prime UTR variant (2).
Genome position (GRCh38, 1-based): chr4:113,335,981, G>A. VCF-style: chr4-113335981-G-A. GRCh37 (hg19) VCF-style: chr4-114257137-G-A.
Other names: c.3515G>A (NM_001148.4); c.3488G>A, p.Ser1163Asn (NM_001127493.3); c.3527G>A, p.Ser1176Asn (NM_001354225.2); c.3416G>A, p.Ser1139Asn (NM_001354228.2, NM_001354258.2); c.3494G>A, p.Ser1165Asn (NM_001354230.2); c.3557G>A, p.Ser1186Asn (NM_001354231.2, NM_001354242.2); c.3551G>A, p.Ser1184Asn (NM_001354232.2); c.3512G>A, p.Ser1171Asn (NM_001354235.2, NM_001354246.2, NM_001354265.2); and 32 more; short protein forms S1077N, S1106N, S1127N, S1129N, S1138N, S1162N, S1167N, S1171N.
Identifiers: ClinVar variation 1505688 (VCV001505688.7), dbSNP rs755716405, ClinGen allele CA3050857.
Genomic context (GRCh38, chr4:113,335,981, plus strand): 5'-CAGTGGTGTCTCGTATCAAACAGGACAGCAATCTGATTGGCCCAGAAGGAGGTGTACTGA[G>A]CAGCACAGTGGTGCCCCAGGTGCAGGCCGTCTTCCCAGAGGGGGCACTCACCAAGCGGAT-3'
Protein context (NP_001139.3, residues 1162-1182): NLIGPEGGVL[Ser1172Asn]STVVPQVQAV

ClinVar aggregate classification (germline): Conflicting classifications of pathogenicity. Review status: criteria provided, conflicting classifications (1 of 4 stars). 2 submissions from 2 submitters: Uncertain significance (1); Benign (1). Last evaluated 2025-02-05.

Conditions:
Cardiovascular phenotype. Identifiers: MedGen CN230736.
Long QT syndrome (LQTS). Identifiers: MedGen C0023976, MeSH D008133, MONDO:0002442. Disease mechanism: loss of function. Inheritance: Various modes of inheritance.

Allele frequency attached by ClinVar (database versions not stated): TOPMed below 0.00001; gnomAD 0.00001; gnomAD exomes 0.00003 and 0.00006; ExAC 0.00006.
gnomAD v4.1: 45 of 1,614,044 alleles (0.0028%); highest among the groups gnomAD compares: South Asian, 0.041%; no homozygotes.

Submissions (2):

Ambry Genetics
Classification: Benign for Cardiovascular phenotype. Last evaluated: 2025-02-05. Review status: criteria provided, single submitter. Criteria: Ambry Variant Classification Scheme 2023. Collection method: clinical testing. Allele origin: germline.

Labcorp Genetics (formerly Invitae), Labcorp
Classification: Uncertain significance for Long QT syndrome. Last evaluated: 2022-10-03. Review status: criteria provided, single submitter. Criteria: Invitae Variant Classification Sherloc (09022015). Collection method: clinical testing. Allele origin: germline.
Comment: In summary, the available evidence is currently insufficient to determine the role of this variant in disease. Therefore, it has been classified as a Variant of Uncertain Significance. Advanced modeling of protein sequence and biophysical properties (such as structural, functional, and spatial information, amino acid conservation, physicochemical variation, residue mobility, and thermodynamic stability) performed at Invitae indicates that this missense variant is not expected to disrupt ANK2 protein function. ClinVar contains an entry for this variant (Variation ID: 1505688). This variant has not been reported in the literature in individuals affected with ANK2-related conditions. This variant is present in population databases (rs755716405, gnomAD 0.04%). This sequence change replaces serine, which is neutral and polar, with asparagine, which is neutral and polar, at codon 1172 of the ANK2 protein (p.Ser1172Asn).